The following is an entry in ClinVar:

NM_014946.4(SPAST):c.1363C>T (p.His455Tyr)

Gene: SPAST (spastin; plus strand). Cytogenetic location: 2p22.3.
Variant type: single nucleotide variant.
Coding change: c.1363C>T on transcript NM_014946.4 (MANE Select); coding-DNA position 1363, C replaced by T.
Protein change: p.His455Tyr; replaces histidine 455 with tyrosine.
Molecular consequence: missense variant.
Genome position (GRCh38, 1-based): chr2:32,136,918, C>T. VCF-style: chr2-32136918-C-T. GRCh37 (hg19) VCF-style: chr2-32361987-C-T.
Other names: c.1360C>T, p.His454Tyr (NM_001363823.2); c.1264C>T, p.His422Tyr (NM_001363875.2); c.1267C>T, p.His423Tyr (NM_001377959.1, NM_199436.2); short protein forms H423Y, H454Y, H455Y, H422Y.
Identifiers: ClinVar variation 2810687 (VCV002810687.5), dbSNP rs863224769, ClinGen allele CA346502254.

ClinVar aggregate classification (germline): Conflicting classifications of pathogenicity. Review status: criteria provided, conflicting classifications (1 of 4 stars). 2 submissions from 2 submitters: Pathogenic (1); Uncertain significance (1). Last evaluated 2025-10-24.

Conditions:
Hereditary spastic paraplegia 4. Also called: Spastic Paraplegia 4; Spastic paraplegia 4, autosomal dominant; Familial spastic paraplegia autosomal dominant 2. Identifiers: Orphanet 100985, MedGen C1866855, MONDO:0008438, OMIM 182601.

Submissions (2):

Dasa
Classification: Uncertain significance. Last evaluated: 2025-10-24. Review status: criteria provided, single submitter. Criteria: DASA Assertion Criteria. Collection method: clinical testing. Allele origin: germline.
Comment: NM_014946.4(SPAST):c.1363C>T (p.His455Tyr) is a missense variant that results in the substitution of histidine with tyrosine. The affected residue or protein region has prior evidence supporting clinical relevance. This variant is absent from population databases. Computational prediction algorithms are consistent with a deleterious effect. The currently available literature and clinical evidence are not sufficient to establish a definitive association between this variant and the reported condition. Therefore, this variant is classified as a variant of uncertain significance.

Labcorp Genetics (formerly Invitae), Labcorp
Classification: Pathogenic for Hereditary spastic paraplegia 4. Last evaluated: 2023-03-07. Review status: criteria provided, single submitter. Criteria: Invitae Variant Classification Sherloc (09022015). Collection method: clinical testing. Allele origin: germline.
Comment: For these reasons, this variant has been classified as Pathogenic. Advanced modeling of protein sequence and biophysical properties (such as structural, functional, and spatial information, amino acid conservation, physicochemical variation, residue mobility, and thermodynamic stability) performed at Invitae indicates that this missense variant is expected to disrupt SPAST protein function. This missense change has been observed in individual(s) with clinical features of SPAST-related conditions (Invitae). In at least one individual the variant was observed to be de novo. This variant is not present in population databases (gnomAD no frequency). This sequence change replaces histidine, which is basic and polar, with tyrosine, which is neutral and polar, at codon 455 of the SPAST protein (p.His455Tyr).